The following is an entry in ClinVar:

NM_000257.4(MYH7):c.1680C>T (p.Ser560=)

Gene: MYH7 (myosin heavy chain 7; minus strand). Cytogenetic location: 14q11.2.
Variant type: single nucleotide variant.
Coding change: c.1680C>T on transcript NM_000257.4 (MANE Select); coding-DNA position 1680, C replaced by T.
Protein change: p.Ser560=; no amino-acid change (serine 560 retained).
Molecular consequence: synonymous variant.
Genome position (GRCh38, 1-based): chr14:23,427,793, G>A on the plus strand (C>T on the coding strand, the complement: MYH7 is on the minus strand). VCF-style: chr14-23427793-G-A. GRCh37 (hg19) VCF-style: chr14-23897002-G-A.
Identifiers: ClinVar variation 525093 (VCV000525093.16), dbSNP rs763574368, ClinGen allele CA029100.

ClinVar aggregate classification (germline): Likely benign. Review status: criteria provided, multiple submitters, no conflicts (2 of 4 stars). 5 submissions from 5 submitters: Likely benign (5). Last evaluated 2025-07-23.

Conditions:
Cardiovascular phenotype. Identifiers: MedGen CN230736.
Hypertrophic cardiomyopathy. Also called: HYPERTROPHIC MYOCARDIOPATHY. Identifiers: Orphanet 217569, MedGen C0007194, MeSH D002312, MONDO:0005045, HP:0001639.
Cardiomyopathy (CMYO). Also called: Cardiomyopathies. Identifiers: Orphanet 167848, MedGen C0878544, MONDO:0004994, HP:0001638. Inheritance: Various modes of inheritance.

Allele frequency attached by ClinVar (database versions not stated): TOPMed below 0.00001; gnomAD exomes 0.00001 and 0.00002; ExAC 0.00002.
gnomAD v4.1: 20 of 1,614,156 alleles (0.0012%); highest among the groups gnomAD compares: East Asian, 0.0022%; no homozygotes.

Submissions (5):

Labcorp Genetics (formerly Invitae), Labcorp
Classification: Likely benign for Hypertrophic cardiomyopathy. Last evaluated: 2025-07-23. Review status: criteria provided, single submitter. Criteria: Invitae Variant Classification Sherloc (09022015). Collection method: clinical testing. Allele origin: germline.

Molecular Diagnostic Laboratory for Inherited Cardiovascular Disease, Montreal Heart Institute
Classification: Likely benign. Last evaluated: 2025-04-09. Review status: criteria provided, single submitter. Criteria: ACMG Guidelines, 2015. Collection method: clinical testing. Allele origin: germline. Affected: no.

All of Us Research Program, National Institutes of Health
Classification: Likely benign for Cardiomyopathy. Last evaluated: 2023-08-15. Review status: criteria provided, single submitter. Criteria: ACMG Guidelines, 2015. Collection method: clinical testing. Allele origin: germline. Inheritance: Autosomal dominant inheritance. Observed: 3 variant alleles, 3 heterozygotes.
Comment: This study involves interpretation of variants in research participants for the purpose of population health screening. Participant phenotype was not available at the time of variant classification. Additional details can be found in publication PMID: 35346344, PMCID: PMC8962531

Ambry Genetics
Classification: Likely benign for Cardiovascular phenotype. Last evaluated: 2020-11-24. Review status: criteria provided, single submitter. Criteria: Ambry Variant Classification Scheme 2023. Collection method: clinical testing. Allele origin: germline.

Color Diagnostics, LLC DBA Color Health
Classification: Likely benign for Cardiomyopathy. Last evaluated: 2020-11-17. Review status: criteria provided, single submitter. Criteria: ACMG Guidelines, 2015. Collection method: clinical testing. Allele origin: germline.